The following is an entry in ClinVar:

ClinVar aggregate classification (germline): Benign/Likely benign. Review status: criteria provided, multiple submitters, no conflicts (2 of 4 stars). 8 submissions from 8 submitters: Benign (5); Likely benign (3). Last evaluated 2026-02-03.

Conditions:
Cardiovascular phenotype. Identifiers: MedGen CN230736.
Progressive familial heart block type IB (PFHB1B). Identifiers: Orphanet 871, MedGen C1970298, MONDO:0011474, OMIM 604559.

Allele frequency attached by ClinVar (database versions not stated): gnomAD exomes 0.00077 and 0.00217; ExAC 0.00331; gnomAD 0.00993 and 0.01074; 1000 Genomes Project 30x 0.00999; 1000 Genomes Project 0.01058; TOPMed 0.01080; ESP Exome Variant Server 0.01346.
gnomAD v4.1: 2,701 of 1,613,348 alleles (0.17%); highest among the groups gnomAD compares: African/African-American, 3.2%; 53 homozygotes.

Submissions (8):

Labcorp Genetics (formerly Invitae), Labcorp
Classification: Benign for Progressive familial heart block type IB. Last evaluated: 2026-02-03. Review status: criteria provided, single submitter. Criteria: Invitae Variant Classification Sherloc (09022015). Collection method: clinical testing. Allele origin: germline.

Molecular Diagnostic Laboratory for Inherited Cardiovascular Disease, Montreal Heart Institute
Classification: Benign. Last evaluated: 2025-04-09. Review status: criteria provided, single submitter. Criteria: ACMG Guidelines, 2015. Collection method: clinical testing. Allele origin: germline. Affected: no.

Women's Health and Genetics/Laboratory Corporation of America, LabCorp
Classification: Likely benign. Last evaluated: 2024-11-04. Review status: criteria provided, single submitter. Criteria: LabCorp Variant Classification Summary - May 2015. Collection method: clinical testing. Allele origin: germline.

ARUP Laboratories, Molecular Genetics and Genomics, ARUP Laboratories
Classification: Benign. Last evaluated: 2023-11-07. Review status: criteria provided, single submitter. Criteria: ARUP Molecular Germline Variant Investigation Process 2024. Collection method: clinical testing. Allele origin: germline.

Illumina Laboratory Services, Illumina
Classification: Likely benign for Progressive familial heart block type IB. Last evaluated: 2018-01-13. Review status: criteria provided, single submitter. Criteria: ICSL Variant Classification Criteria 13 December 2019. Collection method: clinical testing. Allele origin: germline.
Comment: This variant was observed in the ICSL laboratory as part of a predisposition screen in an ostensibly healthy population. It had not been previously curated by ICSL or reported in the Human Gene Mutation Database (HGMD: prior to June 1st, 2018), and was therefore a candidate for classification through an automated scoring system. Utilizing variant allele frequency, disease prevalence and penetrance estimates, and inheritance mode, an automated score was calculated to assess if this variant is too frequent to cause the disease. Based on the score and internal cut-off values, a variant classified as likely benign is not then subjected to further curation. The score for this variant resulted in a classification of likely benign for this disease.

GeneDx
Classification: Benign. Last evaluated: 2016-10-14. Review status: criteria provided, single submitter. Criteria: GeneDx Variant Classification (06012015). Collection method: clinical testing. Allele origin: germline. Affected: yes.
Comment: This variant is considered likely benign or benign based on one or more of the following criteria: it is a conservative change, it occurs at a poorly conserved position in the protein, it is predicted to be benign by multiple in silico algorithms, and/or has population frequency not consistent with disease.

Ambry Genetics
Classification: Benign for Cardiovascular phenotype. Last evaluated: 2015-07-16. Review status: criteria provided, single submitter. Criteria: Ambry Variant Classification Scheme 2023. Collection method: clinical testing. Allele origin: germline.

Breakthrough Genomics
Classification: Likely benign. Review status: criteria provided, single submitter. Criteria: ACMG Guidelines, 2015. Collection method: not provided. Allele origin: germline. Inheritance: Autosomal dominant inheritance. Affected: yes.

NM_017636.4(TRPM4):c.322C>T (p.Arg108Cys)

Gene: TRPM4 (transient receptor potential cation channel subfamily M member 4; plus strand). Cytogenetic location: 19q13.33.
Variant type: single nucleotide variant.
Coding change: c.322C>T on transcript NM_017636.4 (MANE Select); coding-DNA position 322, C replaced by T.
Protein change: p.Arg108Cys; replaces arginine 108 with cysteine.
Molecular consequence: missense variant. On other transcripts: intron variant (4).
Genome position (GRCh38, 1-based): chr19:49,167,971, C>T. VCF-style: chr19-49167971-C-T. GRCh37 (hg19) VCF-style: chr19-49671228-C-T.
Other names: c.322C>T, p.Arg108Cys (NM_001195227.2); c.-1105-289C>T (NM_001321282.2); c.268-582C>T (NM_001321281.2); c.-74-289C>T (NM_001321283.2); c.-237-582C>T (NM_001321285.2); short protein forms R108C.
Identifiers: ClinVar variation 221063 (VCV000221063.29), dbSNP rs115335683, ClinGen allele CA349490.